The following is an entry in ClinVar:

ClinVar aggregate classification (germline): Uncertain significance (1 of 4 stars; one submission).

Submission:

GeneDx
Classification: Uncertain significance. Last evaluated: 2022-06-08. Review status: criteria provided, single submitter. Criteria: GeneDx Variant Classification Process June 2021. Collection method: clinical testing. Allele origin: germline. Affected: yes.
Comment: Not observed at significant frequency in large population cohorts (gnomAD); In silico analysis supports that this missense variant has a deleterious effect on protein structure/function; Has not been previously published as pathogenic or benign to our knowledge

NM_001370658.1(BTD):c.684A>G (p.Ile228Met)

Gene: BTD (biotinidase; plus strand). Cytogenetic location: 3p25.1.
Variant type: single nucleotide variant.
Coding change: c.684A>G on transcript NM_001370658.1 (MANE Select); coding-DNA position 684, A replaced by G.
Protein change: p.Ile228Met; replaces isoleucine 228 with methionine.
Molecular consequence: missense variant. On other transcripts: intron variant (1).
Genome position (GRCh38, 1-based): chr3:15,644,600, A>G. VCF-style: chr3-15644600-A-G. GRCh37 (hg19) VCF-style: chr3-15686107-A-G.
Other names: c.744A>G, p.Ile248Met (NM_000060.4); c.684A>G, p.Ile228Met (NM_001281723.4, NM_001281724.3, NM_001281725.3 and 18 more transcripts); c.399+2543A>G (NM_001370753.1); short protein forms I228M.
Identifiers: ClinVar variation 430314 (VCV000430314.5), dbSNP rs1131691897, ClinGen allele CA351607048.